The following is an entry in ClinVar:

NM_015693.4(INTU):c.2113C>T (p.Arg705Cys)

Gene: INTU (inturned planar cell polarity protein; plus strand). Cytogenetic location: 4q28.1.
Variant type: single nucleotide variant.
Coding change: c.2113C>T on transcript NM_015693.4 (MANE Select); coding-DNA position 2113, C replaced by T.
Protein change: p.Arg705Cys; replaces arginine 705 with cysteine.
Molecular consequence: missense variant.
Genome position (GRCh38, 1-based): chr4:127,706,811, C>T. VCF-style: chr4-127706811-C-T. GRCh37 (hg19) VCF-style: chr4-128627966-C-T.
Other names: short protein forms R705C.
Identifiers: ClinVar variation 2372321 (VCV002372321.4), dbSNP rs990640805, ClinGen allele CA105640125.
Genomic context (GRCh38, chr4:127,706,811, plus strand): 5'-AAAGTAGCAACTTCTCCAACATGCAGAAGAACGCTTTTTGGTGACTATTCCTTAAAGACA[C>T]GCAAGCCTAGTCCTTCCTGTAGTAGTGGAGGATCTGACAATGGTTGTGAAGGTGGAGAAG-3'
Protein context (NP_056508.2, residues 695-715): TLFGDYSLKT[Arg705Cys]KPSPSCSSGG

ClinVar aggregate classification (germline): Uncertain significance. Review status: criteria provided, multiple submitters, no conflicts (2 of 4 stars). 2 submissions from 2 submitters: Uncertain significance (2). Last evaluated 2024-03-07.

Conditions:
Inborn genetic diseases. Identifiers: MedGen C0950123, MeSH D030342.

Allele frequency attached by ClinVar (database versions not stated): gnomAD 0.00001; TOPMed 0.00003.
gnomAD v4.1: 9 of 1,613,988 alleles (0.00056%); highest among the groups gnomAD compares: East Asian, 0.0022%; no homozygotes.

Submissions (2):

Labcorp Genetics (formerly Invitae), Labcorp
Classification: Uncertain significance. Last evaluated: 2024-03-07. Review status: criteria provided, single submitter. Criteria: Invitae Variant Classification Sherloc (09022015). Collection method: clinical testing. Allele origin: germline.
Comment: This sequence change replaces arginine, which is basic and polar, with cysteine, which is neutral and slightly polar, at codon 705 of the INTU protein (p.Arg705Cys). This variant is present in population databases (no rsID available, gnomAD 0.007%). This variant has not been reported in the literature in individuals affected with INTU-related conditions. ClinVar contains an entry for this variant (Variation ID: 2372321). Algorithms developed to predict the effect of missense changes on protein structure and function output the following: SIFT: "Not Available"; PolyPhen-2: "Benign"; Align-GVGD: "Not Available". The cysteine amino acid residue is found in multiple mammalian species, which suggests that this missense change does not adversely affect protein function. In summary, the available evidence is currently insufficient to determine the role of this variant in disease. Therefore, it has been classified as a Variant of Uncertain Significance.

Ambry Genetics
Classification: Uncertain significance for Inborn genetic diseases. Last evaluated: 2021-11-15. Review status: criteria provided, single submitter. Criteria: Ambry Variant Classification Scheme 2023. Collection method: clinical testing. Allele origin: germline.